The following is an entry in ClinVar:

ClinVar aggregate classification (germline): Uncertain significance (1 of 4 stars; one submission).

Conditions:
Hereditary cancer-predisposing syndrome. Also called: Hereditary Cancer Syndrome; Tumor predisposition; Hereditary neoplastic syndrome; Neoplastic Syndromes, Hereditary. Identifiers: Orphanet 140162, MedGen C0027672, MeSH D009386, MONDO:0015356.

Submission:

Ambry Genetics
Classification: Uncertain significance for Hereditary cancer-predisposing syndrome. Last evaluated: 2024-05-04. Review status: criteria provided, single submitter. Criteria: Ambry Variant Classification Scheme 2023. Collection method: clinical testing. Allele origin: germline.
Comment: The p.S140I variant (also known as c.419G>T), located in coding exon 2 of the CHEK2 gene, results from a G to T substitution at nucleotide position 419. The serine at codon 140 is replaced by isoleucine, an amino acid with dissimilar properties. This amino acid position is conserved. In addition, this alteration is predicted to be deleterious by in silico analysis. Based on the available evidence, the clinical significance of this variant remains unclear.

NM_007194.4(CHEK2):c.419G>T (p.Ser140Ile)

Gene: CHEK2 (checkpoint kinase 2; minus strand). Cytogenetic location: 22q12.1.
Variant type: single nucleotide variant.
Coding change: c.419G>T on transcript NM_007194.4 (MANE Select); coding-DNA position 419, G replaced by T.
Protein change: p.Ser140Ile; replaces serine 140 with isoleucine.
Molecular consequence: missense variant.
Genome position (GRCh38, 1-based): chr22:28,725,268, C>A on the plus strand (G>T on the coding strand, the complement: CHEK2 is on the minus strand). VCF-style: chr22-28725268-C-A. GRCh37 (hg19) VCF-style: chr22-29121256-C-A.
Other names: c.548G>T, p.Ser183Ile (NM_001005735.3); c.-359G>T (NM_001257387.3); c.419G>T, p.Ser140Ile (NM_001349956.3, NM_145862.3); short protein forms S183I, S140I.
Identifiers: ClinVar variation 3266958 (VCV003266958.1).
Genomic context (GRCh38, chr22:28,725,268, plus strand): 5'-CAGCTCTCCTAGATACATGGGTATTCATTACCTACCCTGAAAATCCGAAAGTGTTTCTTG[C>A]TGTATGTTCGGTATTTATCTGTTCTTTTCAGCAGTGGTTCATCAAAGCAATATTCACAGC-3'
Protein context (NP_009125.1, residues 130-150): LKRTDKYRTY[Ser140Ile]KKHFRIFREV